The following is an entry in ClinVar:

ClinVar aggregate classification (germline): Conflicting classifications of pathogenicity. Review status: criteria provided, conflicting classifications (1 of 4 stars). 7 submissions from 7 submitters: Uncertain significance (4); Likely benign (2). 1 of the submissions does not count toward it. Last evaluated 2024-09-23.

Conditions:
Hereditary breast ovarian cancer syndrome. Also called: Hereditary breast and ovarian cancer syndrome; Hereditary breast and ovarian cancer; Hereditary breast and ovarian cancer syndrome (HBOC); Breast and ovarian cancer; Hereditary breast and/or ovarian cancer syndrome; BRCA1- and BRCA2-Associated Hereditary Breast and Ovarian Cancer. Identifiers: Orphanet 145, MedGen C0677776, MeSH D061325, MONDO:0003582. Disease mechanism: loss of function.
Hereditary cancer-predisposing syndrome. Also called: Neoplastic Syndromes, Hereditary; Tumor predisposition; Hereditary neoplastic syndrome; Hereditary Cancer Syndrome. Identifiers: Orphanet 140162, MedGen C0027672, MeSH D009386, MONDO:0015356.
Breast-ovarian cancer, familial, susceptibility to, 2 (BROVCA2). Also called: BRCA2 Hereditary Breast and Ovarian Cancer. Identifiers: Orphanet 145, MedGen C2675520, MONDO:0012933, OMIM 612555. Disease mechanism: loss of function.

gnomAD v4.1: 1 of 1,613,962 alleles (0.000062%); highest among the groups gnomAD compares: Non-Finnish European, 0.000085%; no homozygotes.

Submissions (7):

Labcorp Genetics (formerly Invitae), Labcorp
Classification: Uncertain significance for Hereditary breast ovarian cancer syndrome. Last evaluated: 2024-09-23. Review status: criteria provided, single submitter. Criteria: Invitae Variant Classification Sherloc (09022015). Collection method: clinical testing. Allele origin: germline.
Comment: This sequence change replaces asparagine, which is neutral and polar, with serine, which is neutral and polar, at codon 1910 of the BRCA2 protein (p.Asn1910Ser). This variant is not present in population databases (gnomAD no frequency). This missense change has been observed in individual(s) with personal and/or family history of breast and/or ovarian cancer (PMID: 36881271). ClinVar contains an entry for this variant (Variation ID: 51919). Invitae Evidence Modeling of protein sequence and biophysical properties (such as structural, functional, and spatial information, amino acid conservation, physicochemical variation, residue mobility, and thermodynamic stability) indicates that this missense variant is not expected to disrupt BRCA2 protein function with a negative predictive value of 95%. In summary, the available evidence is currently insufficient to determine the role of this variant in disease. Therefore, it has been classified as a Variant of Uncertain Significance.

GeneDx
Classification: Uncertain significance. Last evaluated: 2023-11-27. Review status: criteria provided, single submitter. Criteria: GeneDx Variant Classification Process June 2021. Collection method: clinical testing. Allele origin: germline. Affected: yes.
Comment: Observed in individuals with breast cancer (PMID: 36881271); In silico analysis supports that this missense variant does not alter protein structure/function; Not observed at significant frequency in large population cohorts (gnomAD); Also known as 5957A>G; This variant is associated with the following publications: (PMID: 32377563, 29884841, 31853058, 36881271)

University of Washington Department of Laboratory Medicine, University of Washington
Classification: Likely benign for Hereditary cancer-predisposing syndrome. Last evaluated: 2023-03-23. Review status: criteria provided, single submitter. Criteria: Dines et al. (Genet Med. 2020). Collection method: curation. Allele origin: germline.
Comment: Missense variant in a coldspot region where missense variants are very unlikely to be pathogenic (PMID:31911673).

BRCA2 exon 11 coldspot. Reclassification based on statistical prior probability.

Color Diagnostics, LLC DBA Color Health
Classification: Uncertain significance for Hereditary cancer-predisposing syndrome. Last evaluated: 2019-06-05. Review status: criteria provided, single submitter. Criteria: ACMG Guidelines, 2015. Collection method: clinical testing. Allele origin: germline.

Mendelics
Classification: Uncertain significance for Breast-ovarian cancer, familial, susceptibility to, 2. Last evaluated: 2019-05-28. Review status: criteria provided, single submitter. Criteria: Mendelics Assertion Criteria 2017. Collection method: clinical testing. Allele origin: unknown.

Ambry Genetics
Classification: Likely benign for Hereditary cancer-predisposing syndrome. Last evaluated: 2018-11-03. Review status: criteria provided, single submitter. Criteria: Ambry Variant Classification Scheme 2023. Collection method: clinical testing. Allele origin: germline.

Breast Cancer Information Core (BIC) (BRCA2)
Classification: Uncertain significance for Breast-ovarian cancer, familial 2. Last evaluated: 2010-12-04. Review status: no assertion criteria provided. Collection method: clinical testing. Allele origin: unknown. Affected: yes. Observed: 1 variant allele. Not counted in ClinVar's aggregate classification.

Literature cited by the submitters: PubMed 36881271 (cited by Labcorp Genetics (formerly Invitae), Labcorp).

NM_000059.4(BRCA2):c.5729A>G (p.Asn1910Ser)

Gene: BRCA2 (BRCA2 DNA repair associated; plus strand). Cytogenetic location: 13q13.1.
Variant type: single nucleotide variant.
Coding change: c.5729A>G on transcript NM_000059.4 (MANE Select); coding-DNA position 5729, A replaced by G.
Protein change: p.Asn1910Ser; replaces asparagine 1910 with serine.
Molecular consequence: missense variant.
Genome position (GRCh38, 1-based): chr13:32,340,084, A>G. VCF-style: chr13-32340084-A-G. GRCh37 (hg19) VCF-style: chr13-32914221-A-G.
Other names: short protein forms N1910S.
Identifiers: ClinVar variation 51919 (VCV000051919.19), dbSNP rs276174863, ClinGen allele CA023077.